The following is an entry in ClinVar:

NM_000264.5(PTCH1):c.2370dup (p.Ile791fs)

Genes: PTCH1 (patched 1; minus strand), LOC100507346 (uncharacterized LOC100507346; plus strand). Cytogenetic location: 9q22.32.
Variant type: Duplication.
Coding change: c.2370dup on transcript NM_000264.5 (MANE Select); coding-DNA position 2370, one base duplicated (T; older notation c.2370dupT).
Protein change: p.Ile791fs; shifts the reading frame from isoleucine 791.
Molecular consequence: frameshift variant.
Genome position (GRCh38, 1-based): chr9:95,467,306, A duplicated on the plus strand (T on the coding strand, the reverse complement: PTCH1 is on the minus strand); the first of 3 consecutive A bases (chr9:95,467,306-95,467,308); duplicating any one gives the same sequence. VCF-style (leftmost placement, unchanged base first): chr9-95467305-T-TA. GRCh37 (hg19) VCF-style: chr9-98229587-T-TA.
Other names: c.2172dup, p.Ile725fs (NM_001083602.3); c.2367dup, p.Ile790fs (NM_001083603.3); c.1917dup, p.Ile640fs (NM_001083604.3, NM_001083605.3, NM_001083606.3 and 1 more transcripts); c.2214dup, p.Ile739fs (NM_001354918.2); short protein forms I739fs, I790fs, I640fs, I725fs, I791fs.
Identifiers: ClinVar variation 1451890 (VCV001451890.6), dbSNP rs2117966753, ClinGen allele CA2573144873.

ClinVar aggregate classification (germline): Pathogenic (1 of 4 stars; one submission).

Conditions:
Gorlin syndrome. Also called: Basal cell nevus syndrome; Nevoid Basal Cell Carcinoma Syndrome. Identifiers: Orphanet 377, MedGen C0004779, MONDO:0007187.

Submission:

Labcorp Genetics (formerly Invitae), Labcorp
Classification: Pathogenic for Gorlin syndrome. Last evaluated: 2021-09-15. Review status: criteria provided, single submitter. Criteria: Invitae Variant Classification Sherloc (09022015). Collection method: clinical testing. Allele origin: germline.
Comment: This variant has not been reported in the literature in individuals affected with PTCH1-related conditions. For these reasons, this variant has been classified as Pathogenic. This variant is not present in population databases (ExAC no frequency). This sequence change creates a premature translational stop signal (p.Ile791Tyrfs*38) in the PTCH1 gene. It is expected to result in an absent or disrupted protein product. Loss-of-function variants in PTCH1 are known to be pathogenic (PMID: 16301862, 16419085).

Literature cited by the submitters: PubMed 16301862; PubMed 16419085.